The following is an entry in ClinVar:

NM_000321.3(RB1):c.144G>A (p.Glu48=)

Gene: RB1 (RB transcriptional corepressor 1; plus strand). Cytogenetic location: 13q14.2.
Variant type: single nucleotide variant.
Coding change: c.144G>A on transcript NM_000321.3 (MANE Select); coding-DNA position 144, G replaced by A.
Protein change: p.Glu48=; no amino-acid change (glutamic acid 48 retained).
Molecular consequence: synonymous variant.
Genome position (GRCh38, 1-based): chr13:48,307,286, G>A. VCF-style: chr13-48307286-G-A. GRCh37 (hg19) VCF-style: chr13-48881422-G-A.
Identifiers: ClinVar variation 702747 (VCV000702747.18), dbSNP rs1021965284, ClinGen allele CA249842400.
Genomic context (GRCh38, chr13:48,307,286, plus strand): 5'-AATCAATTTGATTTATAAGTATATGCCAATTATATGATTATTTTCATTTGGTAGGCTTGA[G>A]TTTGAAGAAACAGAAGAACCTGATTTTACTGCATTATGTCAGAAATTAAAGATACCAGAT-3'
Protein context (NP_000312.2, residues 38-58): GPEDLPLVRL[Glu48=]FEETEEPDFT

ClinVar aggregate classification (germline): Benign/Likely benign. Review status: criteria provided, multiple submitters, no conflicts (2 of 4 stars). 5 submissions from 5 submitters: Benign (1); Likely benign (4). Last evaluated 2026-06-23.

Conditions:
Hereditary cancer-predisposing syndrome. Also called: Hereditary Cancer Syndrome; Hereditary neoplastic syndrome; Neoplastic Syndromes, Hereditary; Tumor predisposition. Identifiers: Orphanet 140162, MedGen C0027672, MeSH D009386, MONDO:0015356.
Retinoblastoma (RB1). Also called: RETINOBLASTOMA, SOMATIC. Identifiers: Orphanet 790, MedGen C0035335, MeSH D012175, MONDO:0008380, OMIM 180200, HP:0009919. Disease mechanism: loss of function. Inheritance: Both sporadic and heritable forms are tested..

Allele frequency attached by ClinVar (database versions not stated): gnomAD 0.00001; gnomAD exomes below 0.00001.
gnomAD v4.1: 5 of 1,605,580 alleles (0.00031%); highest among the groups gnomAD compares: Admixed American, 0.0033%; no homozygotes.

Submissions (5):

Myriad Genetics, Inc.
Classification: Benign for Retinoblastoma. Last evaluated: 2026-06-23. Review status: criteria provided, single submitter. Criteria: Myriad Autosomal Dominant, Autosomal Recessive and X-Linked Classification Criteria (2023). Collection method: clinical testing. Allele origin: unknown.
Comment: This variant is considered benign. This variant is a silent/synonymous amino acid change and it is not expected to impact splicing.

Labcorp Genetics (formerly Invitae), Labcorp
Classification: Likely benign for Retinoblastoma. Last evaluated: 2025-12-30. Review status: criteria provided, single submitter. Criteria: Invitae Variant Classification Sherloc (09022015). Collection method: clinical testing. Allele origin: germline.

All of Us Research Program, National Institutes of Health
Classification: Likely benign for Retinoblastoma. Last evaluated: 2024-03-24. Review status: criteria provided, single submitter. Criteria: ACMG Guidelines, 2015. Collection method: clinical testing. Allele origin: germline. Inheritance: Autosomal dominant inheritance. Observed: 2 variant alleles, 2 heterozygotes.
Comment: This study involves interpretation of variants in research participants for the purpose of population health screening. Participant phenotype was not available at the time of variant classification. Additional details can be found in publication PMID: 35346344, PMCID: PMC8962531

Color Diagnostics, LLC DBA Color Health
Classification: Likely benign for Retinoblastoma. Last evaluated: 2022-04-22. Review status: criteria provided, single submitter. Criteria: ACMG Guidelines, 2015. Collection method: clinical testing. Allele origin: germline.

Ambry Genetics
Classification: Likely benign for Hereditary cancer-predisposing syndrome. Last evaluated: 2019-07-10. Review status: criteria provided, single submitter. Criteria: Ambry Variant Classification Scheme 2023. Collection method: clinical testing. Allele origin: germline.